The following is an entry in ClinVar:

ClinVar aggregate classification (germline): Uncertain significance. Review status: criteria provided, multiple submitters, no conflicts (2 of 4 stars). 3 submissions from 3 submitters: Uncertain significance (2). 1 of the submissions does not count toward it. Last evaluated 2023-02-01.

Conditions:
Spastic paraplegia. Identifiers: MedGen C0037772, HP:0001258.
Charlevoix-Saguenay spastic ataxia (SACS). Also called: AUTOSOMAL RECESSIVE SPASTIC ATAXIA OF CHARLEVOIX-SAGUENAY; SPASTIC ATAXIA 6, AUTOSOMAL RECESSIVE; Spastic ataxia of Charlevoix-Saguenay. Identifiers: Orphanet 98, MedGen C1849140, MONDO:0010041, OMIM 270550.

Submissions (3):

Revvity Omics, Revvity
Classification: Uncertain significance for Charlevoix-Saguenay spastic ataxia. Last evaluated: 2023-02-01. Review status: criteria provided, single submitter. Criteria: ACMG Guidelines, 2015. Collection method: clinical testing. Allele origin: germline.

Labcorp Genetics (formerly Invitae), Labcorp
Classification: Uncertain significance for Spastic paraplegia. Last evaluated: 2021-08-31. Review status: criteria provided, single submitter. Criteria: Invitae Variant Classification Sherloc (09022015). Collection method: clinical testing. Allele origin: germline.
Comment: This sequence change replaces glutamic acid with alanine at codon 3764 of the SACS protein (p.Glu3764Ala). The glutamic acid residue is moderately conserved and there is a moderate physicochemical difference between glutamic acid and alanine. This variant is not present in population databases (ExAC no frequency). This variant has not been reported in the literature in individuals affected with SACS-related conditions. Algorithms developed to predict the effect of missense changes on protein structure and function are either unavailable or do not agree on the potential impact of this missense change (SIFT: "Deleterious"; PolyPhen-2: "Benign"; Align-GVGD: "Class C0"). In summary, the available evidence is currently insufficient to determine the role of this variant in disease. Therefore, it has been classified as a Variant of Uncertain Significance.

Natera, Inc.
Classification: Uncertain significance for Charlevoix-Saguenay type spastic ataxia. Last evaluated: 2021-02-02. Review status: no assertion criteria provided. Collection method: clinical testing. Allele origin: germline. Not counted in ClinVar's aggregate classification.

NM_014363.6(SACS):c.11291A>C (p.Glu3764Ala)

Gene: SACS (sacsin molecular chaperone; minus strand). Cytogenetic location: 13q12.12.
Variant type: single nucleotide variant.
Coding change: c.11291A>C on transcript NM_014363.6 (MANE Select); coding-DNA position 11291, A replaced by C.
Protein change: p.Glu3764Ala; replaces glutamic acid 3764 with alanine.
Molecular consequence: missense variant.
Genome position (GRCh38, 1-based): chr13:23,332,585, T>G on the plus strand (A>C on the coding strand, the complement: SACS is on the minus strand). VCF-style: chr13-23332585-T-G. GRCh37 (hg19) VCF-style: chr13-23906724-T-G.
Other names: c.10850A>C, p.Glu3617Ala (NM_001278055.2); short protein forms E3617A, E3764A.
Identifiers: ClinVar variation 658318 (VCV000658318.5), dbSNP rs1593122374, ClinGen allele CA387510310.